The following is an entry in ClinVar:

NM_000094.4(COL7A1):c.7029A>G (p.Glu2343=)

Gene: COL7A1 (collagen type VII alpha 1 chain; minus strand). Cytogenetic location: 3p21.31.
Variant type: single nucleotide variant.
Coding change: c.7029A>G on transcript NM_000094.4 (MANE Select); coding-DNA position 7029, A replaced by G.
Protein change: p.Glu2343=; no amino-acid change (glutamic acid 2343 retained).
Molecular consequence: synonymous variant.
Genome position (GRCh38, 1-based): chr3:48,572,040, T>C on the plus strand (A>G on the coding strand, the complement: COL7A1 is on the minus strand). VCF-style: chr3-48572040-T-C. GRCh37 (hg19) VCF-style: chr3-48609473-T-C.
Identifiers: ClinVar variation 1379362 (VCV001379362.6), dbSNP rs1185578654, ClinGen allele CA433535108.
Genomic context (GRCh38, chr3:48,572,040, plus strand): 5'-TTGCCTAGGCCCCGGACTCACATCTTCCCCAGGGTCTCCGGGCTCCCCTGCACGGCCAGC[T>C]TCACCCTGCACAGAATGGCAGGTGAGGGGTGTCTGGACTGAGCCTTCTCTGCTCAGTAGT-3'
Protein context (NP_000085.1, residues 2333-2353): GLPGPRGEKG[Glu2343=]AGRAGEPGDP

ClinVar aggregate classification (germline): Uncertain significance (1 of 4 stars; one submission).

Allele frequency attached by ClinVar (database versions not stated): TOPMed below 0.00001.

Submission:

Labcorp Genetics (formerly Invitae), Labcorp
Classification: Uncertain significance. Last evaluated: 2022-02-24. Review status: criteria provided, single submitter. Criteria: Invitae Variant Classification Sherloc (09022015). Collection method: clinical testing. Allele origin: germline.
Comment: This variant has not been reported in the literature in individuals affected with COL7A1-related conditions. In summary, the available evidence is currently insufficient to determine the role of this variant in disease. Therefore, it has been classified as a Variant of Uncertain Significance. Algorithms developed to predict the effect of sequence changes on RNA splicing suggest that this variant may disrupt the consensus splice site. This variant is not present in population databases (gnomAD no frequency). This sequence change affects codon 2343 of the COL7A1 mRNA. It is a 'silent' change, meaning that it does not change the encoded amino acid sequence of the COL7A1 protein.